The following is an entry in ClinVar:

NM_058216.3(RAD51C):c.329T>G (p.Ile110Ser)

Gene: RAD51C (RAD51 paralog C; plus strand). Cytogenetic location: 17q22.
Variant type: single nucleotide variant.
Coding change: c.329T>G on transcript NM_058216.3 (MANE Select); coding-DNA position 329, T replaced by G.
Protein change: p.Ile110Ser; replaces isoleucine 110 with serine.
Molecular consequence: missense variant. On other transcripts: non-coding transcript variant (2).
Genome position (GRCh38, 1-based): chr17:58,695,114, T>G. VCF-style: chr17-58695114-T-G. GRCh37 (hg19) VCF-style: chr17-56772475-T-G.
Other names: c.329T>G, p.Ile110Ser (NM_002876.4); short protein forms I110S.
Identifiers: ClinVar variation 490123 (VCV000490123.18), dbSNP rs1555593751, ClinGen allele CA400341298.

ClinVar aggregate classification (germline): Conflicting classifications of pathogenicity. Review status: criteria provided, conflicting classifications (1 of 4 stars). 3 submissions from 3 submitters: Uncertain significance (2); Likely benign (1). Last evaluated 2025-10-24.

Conditions:
Hereditary cancer-predisposing syndrome. Also called: Tumor predisposition; Neoplastic Syndromes, Hereditary; Hereditary Cancer Syndrome; Hereditary neoplastic syndrome. Identifiers: Orphanet 140162, MedGen C0027672, MeSH D009386, MONDO:0015356.
Fanconi anemia complementation group O. Also called: RAD51C-Related Fanconi Anemia. Identifiers: Orphanet 84, MedGen C3150653, MONDO:0013248, OMIM 613390.

Submissions (3):

Ambry Genetics
Classification: Likely benign for Hereditary cancer-predisposing syndrome. Last evaluated: 2025-10-24. Review status: criteria provided, single submitter. Criteria: Ambry Variant Classification Scheme 2023. Collection method: clinical testing. Allele origin: germline.

Labcorp Genetics (formerly Invitae), Labcorp
Classification: Uncertain significance for Fanconi anemia complementation group O. Last evaluated: 2024-03-26. Review status: criteria provided, single submitter. Criteria: Invitae Variant Classification Sherloc (09022015). Collection method: clinical testing. Allele origin: germline.
Comment: This sequence change replaces isoleucine, which is neutral and non-polar, with serine, which is neutral and polar, at codon 110 of the RAD51C protein (p.Ile110Ser). This variant is not present in population databases (gnomAD no frequency). This missense change has been observed in individual(s) with colorectal cancer (PMID: 28135145). ClinVar contains an entry for this variant (Variation ID: 490123). Advanced modeling of protein sequence and biophysical properties (such as structural, functional, and spatial information, amino acid conservation, physicochemical variation, residue mobility, and thermodynamic stability) performed at Invitae indicates that this missense variant is not expected to disrupt RAD51C protein function with a negative predictive value of 80%. In summary, the available evidence is currently insufficient to determine the role of this variant in disease. Therefore, it has been classified as a Variant of Uncertain Significance.

Color Diagnostics, LLC DBA Color Health
Classification: Uncertain significance for Hereditary cancer-predisposing syndrome. Last evaluated: 2024-01-29. Review status: criteria provided, single submitter. Criteria: ACMG Guidelines, 2015. Collection method: clinical testing. Allele origin: germline.
Comment: This missense variant replaces isoleucine with serine at codon 110 of the RAD51C protein. Computational prediction suggests that this variant may not impact protein structure and function. To our knowledge, functional studies have not been reported for this variant. This variant has been reported in an individual affected with colorectal cancer (PMID: 28135145). This variant has not been identified in the general population by the Genome Aggregation Database (gnomAD). The available evidence is insufficient to determine the role of this variant in disease conclusively. Therefore, this variant is classified as a Variant of Uncertain Significance.

Literature cited by the submitters: PubMed 28135145 (cited by 3 submitters).